The following is an entry in ClinVar:

ClinVar aggregate classification (germline): Uncertain significance. Review status: criteria provided, multiple submitters, no conflicts (2 of 4 stars). 2 submissions from 2 submitters: Uncertain significance (2). Last evaluated 2024-10-18.

Conditions:
Dilated Cardiomyopathy, Recessive.

Allele frequency attached by ClinVar (database versions not stated): gnomAD 0.00003 and 0.00004; TOPMed 0.00004; gnomAD exomes 0.00005; ExAC 0.00015.
gnomAD v4.1: 65 of 1,551,146 alleles (0.0042%); highest among the groups gnomAD compares: South Asian, 0.021%; no homozygotes.

Submissions (2):

Labcorp Genetics (formerly Invitae), Labcorp
Classification: Uncertain significance. Last evaluated: 2024-10-18. Review status: criteria provided, single submitter. Criteria: Invitae Variant Classification Sherloc (09022015). Collection method: clinical testing. Allele origin: germline.
Comment: This sequence change replaces arginine, which is basic and polar, with histidine, which is basic and polar, at codon 249 of the PLEKHM2 protein (p.Arg249His). This variant is present in population databases (rs765918617, gnomAD 0.03%). This variant has not been reported in the literature in individuals affected with PLEKHM2-related conditions. ClinVar contains an entry for this variant (Variation ID: 646610). An algorithm developed to predict the effect of missense changes on protein structure and function outputs the following: PolyPhen-2: "Benign". The histidine amino acid residue is found in multiple mammalian species, which suggests that this missense change does not adversely affect protein function. In summary, the available evidence is currently insufficient to determine the role of this variant in disease. Therefore, it has been classified as a Variant of Uncertain Significance.

Ambry Genetics
Classification: Uncertain significance. Last evaluated: 2021-07-09. Review status: criteria provided, single submitter. Criteria: Ambry Variant Classification Scheme 2023. Collection method: clinical testing. Allele origin: germline.

NM_015164.4(PLEKHM2):c.746G>A (p.Arg249His)

Gene: PLEKHM2 (pleckstrin homology and RUN domain containing M2; plus strand). Cytogenetic location: 1p36.21.
Variant type: single nucleotide variant.
Coding change: c.746G>A on transcript NM_015164.4 (MANE Select); coding-DNA position 746, G replaced by A.
Protein change: p.Arg249His; replaces arginine 249 with histidine.
Molecular consequence: missense variant.
Genome position (GRCh38, 1-based): chr1:15,725,350, G>A. VCF-style: chr1-15725350-G-A. GRCh37 (hg19) VCF-style: chr1-16051845-G-A.
Other names: short protein forms R249H.
Identifiers: ClinVar variation 646610 (VCV000646610.10), dbSNP rs765918617, ClinGen allele CA616769.